The following is an entry in ClinVar:

ClinVar aggregate classification (germline): Benign. Review status: criteria provided, multiple submitters, no conflicts (2 of 4 stars). 4 submissions from 3 submitters: Benign (4). Last evaluated 2018-07-27.

Conditions:
Autosomal dominant nonsyndromic hearing loss 17. Also called: Autosomal dominant nonsyndromic deafness 17; Deafness, autosomal dominant 17. Identifiers: Orphanet 90635, MedGen C1863659, MONDO:0011350, OMIM 603622.
MYH9-related disorder. Identifiers: MedGen C1854520.

Allele frequency attached by ClinVar (database versions not stated): gnomAD 0.25506; TOPMed 0.25642; 1000 Genomes Project 30x 0.38663; 1000 Genomes Project 0.38778.

Submissions (4):

GeneDx
Classification: Benign. Last evaluated: 2018-07-27. Review status: criteria provided, single submitter. Criteria: GeneDx Variant Classification Process June 2021. Collection method: clinical testing. Allele origin: germline. Affected: yes.

Illumina Laboratory Services, Illumina
Classification: Benign for Autosomal dominant nonsyndromic hearing loss 17. Last evaluated: 2018-01-12. Review status: criteria provided, single submitter. Criteria: ICSL Variant Classification Criteria 13 December 2019. Collection method: clinical testing. Allele origin: germline.
Comment: This variant was observed in the ICSL laboratory as part of a predisposition screen in an ostensibly healthy population. It had not been previously curated by ICSL or reported in the Human Gene Mutation Database (HGMD: prior to June 1st, 2018), and was therefore a candidate for classification through an automated scoring system. Utilizing variant allele frequency, disease prevalence and penetrance estimates, and inheritance mode, an automated score was calculated to assess if this variant is too frequent to cause the disease. Based on the score and internal cut-off values, a variant classified as benign is not then subjected to further curation. The score for this variant resulted in a classification of benign for this disease.

Illumina Laboratory Services, Illumina
Classification: Benign for MYH9-related disorder. Last evaluated: 2018-01-12. Review status: criteria provided, single submitter. Criteria: ICSL Variant Classification Criteria 13 December 2019. Collection method: clinical testing. Allele origin: germline.
Comment: the same text as in the submission from Illumina Laboratory Services, Illumina above.

Breakthrough Genomics
Classification: Benign. Review status: criteria provided, single submitter. Criteria: ACMG Guidelines, 2015. Collection method: not provided. Allele origin: germline. Inheritance: Autosomal dominant inheritance. Affected: yes.

NM_002473.6(MYH9):c.*261G>C

Gene: MYH9 (myosin heavy chain 9; minus strand). Cytogenetic location: 22q12.3.
Variant type: single nucleotide variant.
Coding change: c.*261G>C on transcript NM_002473.6 (MANE Select); 261 bases downstream of the stop codon, G replaced by C.
Molecular consequence: 3 prime UTR variant.
Genome position (GRCh38, 1-based): chr22:36,282,407, C>G on the plus strand (G>C on the coding strand, the complement: MYH9 is on the minus strand). VCF-style: chr22-36282407-C-G. GRCh37 (hg19) VCF-style: chr22-36678453-C-G.
Identifiers: ClinVar variation 341480 (VCV000341480.8), dbSNP rs11089787, ClinGen allele CA10651255.